The following is an entry in ClinVar:

ClinVar aggregate classification (germline): Uncertain significance (1 of 4 stars; one submission).

gnomAD v4.1: 1 of 1,613,902 alleles (0.000062%); highest among the groups gnomAD compares: Non-Finnish European, 0.000085%; no homozygotes.

Submission:

CeGaT Center for Human Genetics Tuebingen
Classification: Uncertain significance. Last evaluated: 2026-02-01. Review status: criteria provided, single submitter. Criteria: CeGaT Center For Human Genetics Tuebingen Variant Classification Criteria Version 2. Collection method: clinical testing. Allele origin: germline. Affected: yes. Observed: 1 variant allele.
Comment: KMT2C: PM2, PS2:Supporting

NM_170606.3(KMT2C):c.470C>T (p.Pro157Leu)

Gene: KMT2C (lysine methyltransferase 2C; minus strand). Cytogenetic location: 7q36.1.
Variant type: single nucleotide variant.
Coding change: c.470C>T on transcript NM_170606.3 (MANE Select); coding-DNA position 470, C replaced by T.
Protein change: p.Pro157Leu; replaces proline 157 with leucine.
Molecular consequence: missense variant.
Genome position (GRCh38, 1-based): chr7:152,315,258, G>A on the plus strand (C>T on the coding strand, the complement: KMT2C is on the minus strand). VCF-style: chr7-152315258-G-A. GRCh37 (hg19) VCF-style: chr7-152012343-G-A.
Other names: short protein forms P157L.
Identifiers: ClinVar variation 4823478 (VCV004823478.4).
Genomic context (GRCh38, chr7:152,315,258, plus strand): 5'-CTGTTGTCATCAATGTCCTTCTTGTTAGAAGGTTGGTTTCTCCATGGCAAGATAAATCCA[G>A]GCGTTATTCTGAATTGTTTTAAGTCTCCTTGTCCTAAGGAACTTTTTTCCCCACAGTAAC-3'
Protein context (NP_733751.2, residues 147-167): QGDLKQFRIT[Pro157Leu]GFILPWRNQP